The following is an entry in ClinVar:

NM_032383.5(HPS3):c.998T>A (p.Leu333Ter)

Gene: HPS3 (HPS3 biogenesis of lysosomal organelles complex 2 subunit 1; plus strand). Cytogenetic location: 3q24.
Variant type: single nucleotide variant.
Coding change: c.998T>A on transcript NM_032383.5 (MANE Select); coding-DNA position 998, T replaced by A.
Protein change: p.Leu333Ter; replaces leucine 333 with a stop codon.
Molecular consequence: nonsense.
Genome position (GRCh38, 1-based): chr3:149,145,381, T>A. VCF-style: chr3-149145381-T-A. GRCh37 (hg19) VCF-style: chr3-148863168-T-A.
Other names: c.503T>A, p.Leu168Ter (NM_001308258.2); short protein forms L168*, L333*.
Identifiers: ClinVar variation 2164164 (VCV002164164.5), dbSNP rs2473081667, ClinGen allele CA354915473.

ClinVar aggregate classification (germline): Pathogenic. Review status: criteria provided, multiple submitters, no conflicts (2 of 4 stars). 2 submissions from 2 submitters: Pathogenic (2). Last evaluated 2025-03-05.

Conditions:
Hermansky-Pudlak syndrome 3 (HPS3). Identifiers: Orphanet 231512, Orphanet 79430, MedGen C3888001, MONDO:0013555, OMIM 614072.

Allele frequency attached by ClinVar (database versions not stated): gnomAD exomes below 0.00001.
gnomAD v4.1: 1 of 1,614,008 alleles (0.000062%); highest among the groups gnomAD compares: Non-Finnish European, 0.000085%; no homozygotes.

Submissions (2):

3billion
Classification: Pathogenic for Hermansky-Pudlak syndrome 3. Last evaluated: 2025-03-05. Review status: criteria provided, single submitter. Criteria: ACMG Guidelines, 2015. Collection method: clinical testing. Allele origin: germline. Affected: yes.
Comment: The variant is observed at an extremely low frequency in the gnomAD v4.1.0 dataset (total allele frequency: <0.001%). Predicted Consequence/Location: Stop-gained (nonsense): predicted to result in a loss or disruption of normal protein function through nonsense-mediated decay (NMD) or protein truncation. Multiple pathogenic variants are reported downstream of the variant. The variant has been reported to be associated with HPS3-related disorder (ClinVar ID: VCV002164164). Therefore, this variant is classified as Pathogenic according to the recommendation of ACMG/AMP guideline.

Labcorp Genetics (formerly Invitae), Labcorp
Classification: Pathogenic. Last evaluated: 2022-11-07. Review status: criteria provided, single submitter. Criteria: Invitae Variant Classification Sherloc (09022015). Collection method: clinical testing. Allele origin: germline.
Comment: For these reasons, this variant has been classified as Pathogenic. Algorithms developed to predict the effect of sequence changes on RNA splicing suggest that this variant may disrupt the consensus splice site. This variant has not been reported in the literature in individuals affected with HPS3-related conditions. This variant is not present in population databases (gnomAD no frequency). This sequence change creates a premature translational stop signal (p.Leu333*) in the HPS3 gene. It is expected to result in an absent or disrupted protein product. Loss-of-function variants in HPS3 are known to be pathogenic (PMID: 11590544).

Literature cited by the submitters: PubMed 11590544 (cited by Labcorp Genetics (formerly Invitae), Labcorp).